The following is an entry in ClinVar:

ClinVar aggregate classification (germline): Uncertain significance (1 of 4 stars; one submission).

Allele frequency attached by ClinVar (database versions not stated): gnomAD 0.00001; TOPMed 0.00001.
gnomAD v4.1: 3 of 1,613,690 alleles (0.00019%); highest among the groups gnomAD compares: African/African-American, 0.0027%; no homozygotes.

Submission:

GeneDx
Classification: Uncertain significance. Last evaluated: 2021-04-19. Review status: criteria provided, single submitter. Criteria: GeneDx Variant Classification Process June 2021. Collection method: clinical testing. Allele origin: germline. Affected: yes.
Comment: Not observed in large population cohorts (Lek et al., 2016); In silico analysis supports that this missense variant has a deleterious effect on splicing; In silico analysis supports that this missense variant does not alter protein structure/function; Has not been previously published as pathogenic or benign to our knowledge

NM_019842.4(KCNQ5):c.1249C>A (p.Gln417Lys)

Gene: KCNQ5 (potassium voltage-gated channel subfamily Q member 5; plus strand). Cytogenetic location: 6q13.
Variant type: single nucleotide variant.
Coding change: c.1249C>A on transcript NM_019842.4 (MANE Select); coding-DNA position 1249, C replaced by A.
Protein change: p.Gln417Lys; replaces glutamine 417 with lysine.
Molecular consequence: missense variant. On other transcripts: intron variant (1).
Genome position (GRCh38, 1-based): chr6:73,133,422, C>A. VCF-style: chr6-73133422-C-A. GRCh37 (hg19) VCF-style: chr6-73843145-C-A.
Other names: c.1222C>A, p.Gln408Lys (NM_001160130.2); c.1279C>A, p.Gln427Lys (NM_001160132.2); c.1306C>A, p.Gln436Lys (NM_001160133.2); c.1247+8910C>A (NM_001160134.2); short protein forms Q408K, Q417K, Q427K, Q436K.
Identifiers: ClinVar variation 1314753 (VCV001314753.2), dbSNP rs1400935004, ClinGen allele CA364828035.